The following is an entry in ClinVar:

ClinVar aggregate classification (germline): Benign (0 of 4 stars; one submission).

Conditions:
MLF1-related disorder. Also called: MLF1-related condition.

Allele frequency attached by ClinVar (database versions not stated): 1000 Genomes Project 30x 0.32183; 1000 Genomes Project 0.32827; TOPMed 0.33935; gnomAD 0.34466; ESP Exome Variant Server 0.34699; ExAC 0.36740; gnomAD exomes 0.37858.

Submission:

PreventionGenetics, part of Exact Sciences
Classification: Benign for MLF1-related condition. Last evaluated: 2019-10-17. Review status: no assertion criteria provided. Collection method: clinical testing. Allele origin: germline.
Comment: This variant is classified as benign based on ACMG/AMP sequence variant interpretation guidelines (Richards et al. 2015 PMID: 25741868, with internal and published modifications).

NM_001369783.1(MLF1):c.721C>A (p.Pro241Thr)

Gene: MLF1 (myeloid leukemia factor 1; plus strand). Cytogenetic location: 3q25.32.
Variant type: single nucleotide variant.
Coding change: c.721C>A on transcript NM_001369783.1 (MANE Select); coding-DNA position 721, C replaced by A.
Protein change: p.Pro241Thr; replaces proline 241 with threonine.
Molecular consequence: missense variant. On other transcripts: intron variant (2).
Genome position (GRCh38, 1-based): chr3:158,602,914, C>A. VCF-style: chr3-158602914-C-A. GRCh37 (hg19) VCF-style: chr3-158320703-C-A.
Other names: c.601C>A, p.Pro201Thr (NM_001130156.3, NM_001130157.3, NM_001369784.1 and 4 more transcripts); c.646C>A, p.Pro216Thr (NM_001195432.4, NM_001195434.2, NM_001369785.1 and 1 more transcripts); c.472C>A, p.Pro158Thr (NM_001195433.2); c.541C>A, p.Pro181Thr (NM_001369781.1); c.454C>A, p.Pro152Thr (NM_001369782.1); c.676C>A, p.Pro226Thr (NM_001378845.1, NM_022443.5); c.592C>A, p.Pro198Thr (NM_001378851.1); c.494-2183C>A (NM_001378855.1); and 1 more; short protein forms P152T, P158T, P181T, P198T, P201T, P216T, P226T, P241T.
Identifiers: ClinVar variation 3060448 (VCV003060448.2), dbSNP rs15967, ClinGen allele CA2682131.